The following is an entry in ClinVar:

NM_003052.5(SLC34A1):c.559A>G (p.Ile187Val)

Gene: SLC34A1 (solute carrier family 34 member 1; plus strand). Cytogenetic location: 5q35.3.
Variant type: single nucleotide variant.
Coding change: c.559A>G on transcript NM_003052.5 (MANE Select); coding-DNA position 559, A replaced by G.
Protein change: p.Ile187Val; replaces isoleucine 187 with valine.
Molecular consequence: missense variant.
Genome position (GRCh38, 1-based): chr5:177,387,788, A>G. VCF-style: chr5-177387788-A-G. GRCh37 (hg19) VCF-style: chr5-176814789-A-G.
Other names: c.559A>G, p.Ile187Val (NM_001167579.2); short protein forms I187V.
Identifiers: ClinVar variation 4534922 (VCV004534922.6).
Genomic context (GRCh38, chr5:177,387,788, plus strand): 5'-GTCAAATTCATTAGGACGTCTTCTCTTCTACCAGTGCTGGAGGTGAGCTCTGCCATCCCC[A>G]TCATCATGGGCTCCAACATCGGCACCTCTGTCACCAACACCATCGTGGCCCTGATGCAGG-3'
Protein context (NP_003043.3, residues 177-197): GLLEVSSAIP[Ile187Val]IMGSNIGTSV

ClinVar aggregate classification (germline): Uncertain significance (1 of 4 stars; one submission).

Submission:

CeGaT Center for Human Genetics Tuebingen
Classification: Uncertain significance. Last evaluated: 2025-10-01. Review status: criteria provided, single submitter. Criteria: CeGaT Center For Human Genetics Tuebingen Variant Classification Criteria Version 2. Collection method: clinical testing. Allele origin: germline. Affected: yes. Observed: 1 variant allele.
Comment: SLC34A1: PM2